The following is an entry in ClinVar:

ClinVar aggregate classification (germline): Uncertain significance (1 of 4 stars; one submission).

Submission:

Labcorp Genetics (formerly Invitae), Labcorp
Classification: Uncertain significance. Last evaluated: 2024-06-10. Review status: criteria provided, single submitter. Criteria: Invitae Variant Classification Sherloc (09022015). Collection method: clinical testing. Allele origin: germline.
Comment: This sequence change falls in intron 9 of the KIF22 gene. It does not directly change the encoded amino acid sequence of the KIF22 protein. This variant is not present in population databases (gnomAD no frequency). This variant has not been reported in the literature in individuals affected with KIF22-related conditions. Algorithms developed to predict the effect of sequence changes on RNA splicing suggest that this variant may disrupt the consensus splice site. In summary, the available evidence is currently insufficient to determine the role of this variant in disease. Therefore, it has been classified as a Variant of Uncertain Significance.

NM_007317.3(KIF22):c.1450-16T>G

Gene: KIF22 (kinesin family member 22; plus strand). Cytogenetic location: 16p11.2.
Variant type: single nucleotide variant.
Coding change: c.1450-16T>G on transcript NM_007317.3 (MANE Select); 16 bases into the intron before coding-DNA position 1450, T replaced by G.
Molecular consequence: intron variant.
Genome position (GRCh38, 1-based): chr16:29,803,433, T>G. VCF-style: chr16-29803433-T-G. GRCh37 (hg19) VCF-style: chr16-29814754-T-G.
Other names: c.1246-16T>G (NM_001256269.2, NM_001256270.1).
Identifiers: ClinVar variation 2980032 (VCV002980032.3), dbSNP rs199923707, ClinGen allele CA2575962919.